The following is an entry in ClinVar:

ClinVar aggregate classification (germline): Uncertain significance (1 of 4 stars; one submission).

Conditions:
Inborn genetic diseases. Identifiers: MedGen C0950123, MeSH D030342.

Submission:

Ambry Genetics
Classification: Uncertain significance for Inborn genetic diseases. Last evaluated: 2025-03-01. Review status: criteria provided, single submitter. Criteria: Ambry Variant Classification Scheme 2023. Collection method: clinical testing. Allele origin: germline.
Comment: The p.I821V variant (also known as c.2461A>G), located in coding exon 14 of the FANCM gene, results from an A to G substitution at nucleotide position 2461. The isoleucine at codon 821 is replaced by valine, an amino acid with highly similar properties. This amino acid position is conserved. In addition, this alteration is predicted to be tolerated by in silico analysis. Based on the available evidence, the clinical significance of this variant remains unclear.

NM_020937.4(FANCM):c.2461A>G (p.Ile821Val)

Gene: FANCM (FA complementation group M; plus strand). Cytogenetic location: 14q21.2.
Variant type: single nucleotide variant.
Coding change: c.2461A>G on transcript NM_020937.4 (MANE Select); coding-DNA position 2461, A replaced by G.
Protein change: p.Ile821Val; replaces isoleucine 821 with valine.
Molecular consequence: missense variant.
Genome position (GRCh38, 1-based): chr14:45,175,215, A>G. VCF-style: chr14-45175215-A-G. GRCh37 (hg19) VCF-style: chr14-45644418-A-G.
Other names: c.2383A>G, p.Ile795Val (NM_001308133.2); short protein forms I821V, I795V.
Identifiers: ClinVar variation 3848777 (VCV003848777.1).
Genomic context (GRCh38, chr14:45,175,215, plus strand): 5'-TCTAATAATCTTGCCAGTGACACCTTTATCACTCACAAGAAATCGTCATTTATAAAGAAC[A>G]TAAATCAAGGCAGTTCATCCTCAGTGATAGAATCTGATGAAGAATGTGCTGAAATTGTTA-3'
Protein context (NP_065988.1, residues 811-831): THKKSSFIKN[Ile821Val]NQGSSSSVIE